The following is an entry in ClinVar:

NM_000548.5(TSC2):c.4146G>C (p.Leu1382=)

Gene: TSC2 (TSC complex subunit 2; plus strand). Cytogenetic location: 16p13.3.
Variant type: single nucleotide variant.
Coding change: c.4146G>C on transcript NM_000548.5 (MANE Select); coding-DNA position 4146, G replaced by C.
Protein change: p.Leu1382=; no amino-acid change (leucine 1382 retained).
Molecular consequence: synonymous variant. On other transcripts: non-coding transcript variant (5).
Genome position (GRCh38, 1-based): chr16:2,084,368, G>C. VCF-style: chr16-2084368-G-C. GRCh37 (hg19) VCF-style: chr16-2134369-G-C.
Other names: c.4146G>C (NM_000548.4); c.3945G>C, p.Leu1315= (NM_001077183.3); c.4077G>C, p.Leu1359= (NM_001114382.3); c.3837G>C, p.Leu1279= (NM_001318827.2); c.3801G>C, p.Leu1267= (NM_001318829.2); c.3414G>C, p.Leu1138= (NM_001318831.2); c.3978G>C, p.Leu1326= (NM_001318832.2); c.3948G>C, p.Leu1316= (NM_001363528.2); and 27 more.
Identifiers: ClinVar variation 2968117 (VCV002968117.4), dbSNP rs1162436739, ClinGen allele CA493043098.

ClinVar aggregate classification (germline): Likely benign. Review status: criteria provided, single submitter (1 of 4 stars). 2 submissions from 2 submitters: Likely benign (1). 1 of the submissions does not count toward it. Last evaluated 2023-06-02.

Conditions:
TSC2-related disorder. Also called: TSC2-Related Disorders; TSC2-related condition.
Tuberous sclerosis 2 (TSC2). Identifiers: Orphanet 805, MedGen C1860707, MONDO:0013199, OMIM 613254.

Submissions (2):

Labcorp Genetics (formerly Invitae), Labcorp
Classification: Likely benign for Tuberous sclerosis 2. Last evaluated: 2023-06-02. Review status: criteria provided, single submitter. Criteria: Invitae Variant Classification Sherloc (09022015). Collection method: clinical testing. Allele origin: germline.

PreventionGenetics, part of Exact Sciences
Classification: Likely benign for TSC2-related condition. Last evaluated: 2024-06-28. Review status: no assertion criteria provided. Collection method: clinical testing. Allele origin: germline. Not counted in ClinVar's aggregate classification.
Comment: This variant is classified as likely benign based on ACMG/AMP sequence variant interpretation guidelines (Richards et al. 2015 PMID: 25741868, with internal and published modifications).